The following is an entry in ClinVar:

NM_001042681.2(RERE):c.1351C>T (p.Arg451Cys)

Gene: RERE (arginine-glutamic acid dipeptide repeats; minus strand). Cytogenetic location: 1p36.23.
Variant type: single nucleotide variant.
Coding change: c.1351C>T on transcript NM_001042681.2 (MANE Select); coding-DNA position 1351, C replaced by T.
Protein change: p.Arg451Cys; replaces arginine 451 with cysteine.
Molecular consequence: missense variant. On other transcripts: 5 prime UTR variant (1).
Genome position (GRCh38, 1-based): chr1:8,365,908, G>A on the plus strand (C>T on the coding strand, the complement: RERE is on the minus strand). VCF-style: chr1-8365908-G-A. GRCh37 (hg19) VCF-style: chr1-8425968-G-A.
Other names: c.-312C>T (NM_001042682.2); c.1351C>T, p.Arg451Cys (NM_012102.4); short protein forms R451C.
Identifiers: ClinVar variation 3390530 (VCV003390530.1).

ClinVar aggregate classification (germline): Uncertain significance (1 of 4 stars; one submission).

gnomAD v4.1: 1 of 1,614,180 alleles (0.000062%); highest among the groups gnomAD compares: Non-Finnish European, 0.000085%; no homozygotes.

Submission:

GeneDx
Classification: Uncertain significance. Last evaluated: 2024-06-14. Review status: criteria provided, single submitter. Criteria: GeneDx Variant Classification Process June 2021. Collection method: clinical testing. Allele origin: germline. Affected: yes.
Comment: Not observed at significant frequency in large population cohorts (gnomAD); In silico analysis supports that this missense variant has a deleterious effect on protein structure/function; Has not been previously published as pathogenic or benign to our knowledge